The following is an entry in ClinVar:

ClinVar aggregate classification (germline): Likely pathogenic (1 of 4 stars; one submission).

Submission:

GeneDx
Classification: Likely pathogenic. Last evaluated: 2014-09-09. Review status: criteria provided, single submitter. Criteria: GeneDx Variant Classification (06012015). Collection method: clinical testing. Allele origin: germline. Affected: yes.
Comment: p.Gly576Glu (GGG>GAG): c.1727 G>A in exon 16 in the NDUFS1 gene (NM_005006.5). The G576E variant in the NDUFS1 gene has not been published as a mutation, nor has it been reported as a benign polymorphism to our knowledge. The G576E variant was not observed in approximately 6,500 individuals of European and African American ancestry in the NHLBI Exome Sequencing Project, indicating it is not a common benign variant in these populations. The G576E variant is a non-conservative amino acid substitution, which is likely to impact secondary protein structure as these residues differ in polarity, charge, size and/or other properties. This substitution occurs at a position that is conserved across species. In silico analysis predicts this variant is probably damaging to the protein structure/function. The G576E variant is a good candidate for a disease-causing mutation, however the possibility it may be a rare benign variant cannot be excluded. The variant is found in MITONUC-MITOP panel(s).

NM_005006.7(NDUFS1):c.1727G>A (p.Gly576Glu)

Gene: NDUFS1 (NADH:ubiquinone oxidoreductase core subunit S1; minus strand). Cytogenetic location: 2q33.3.
Variant type: single nucleotide variant.
Coding change: c.1727G>A on transcript NM_005006.7 (MANE Select); coding-DNA position 1727, G replaced by A.
Protein change: p.Gly576Glu; replaces glycine 576 with glutamic acid.
Molecular consequence: missense variant.
Genome position (GRCh38, 1-based): chr2:206,127,954, C>T on the plus strand (G>A on the coding strand, the complement: NDUFS1 is on the minus strand). VCF-style: chr2-206127954-C-T. GRCh37 (hg19) VCF-style: chr2-206992678-C-T.
Other names: c.1619G>A, p.Gly540Glu (NM_001199981.2); c.1394G>A, p.Gly465Glu (NM_001199982.2); c.1556G>A, p.Gly519Glu (NM_001199983.2); c.1769G>A, p.Gly590Glu (NM_001199984.2); short protein forms G576E, G465E, G540E, G590E, G519E.
Identifiers: ClinVar variation 214784 (VCV000214784.2), dbSNP rs863224103, ClinGen allele CA323085.